The following is an entry in ClinVar:

NM_032638.5(GATA2):c.1025C>T (p.Ala342Val)

Gene: GATA2 (GATA binding protein 2; minus strand). Cytogenetic location: 3q21.3.
Variant type: single nucleotide variant.
Coding change: c.1025C>T on transcript NM_032638.5 (MANE Select); coding-DNA position 1025, C replaced by T.
Protein change: p.Ala342Val; replaces alanine 342 with valine.
Molecular consequence: missense variant. On other transcripts: intron variant (1).
Genome position (GRCh38, 1-based): chr3:128,481,937, G>A on the plus strand (C>T on the coding strand, the complement: GATA2 is on the minus strand). VCF-style: chr3-128481937-G-A. GRCh37 (hg19) VCF-style: chr3-128200780-G-A.
Other names: c.1025C>T, p.Ala342Val (NM_001145661.2); c.1018-35C>T (NM_001145662.1); short protein forms A342V.
Identifiers: ClinVar variation 472429 (VCV000472429.10), dbSNP rs143554523, ClinGen allele CA2599878.

ClinVar aggregate classification (germline): Uncertain significance. Review status: criteria provided, multiple submitters, no conflicts (2 of 4 stars). 3 submissions from 3 submitters: Uncertain significance (3). Last evaluated 2025-08-07.

Conditions:
Inborn genetic diseases. Identifiers: MedGen C0950123, MeSH D030342.
Deafness-lymphedema-leukemia syndrome. Also called: Emberger syndrome; Lymphedema, primary, with myelodysplasia. Identifiers: Orphanet 3226, MedGen C3279664, MONDO:0013540, OMIM 614038.
Monocytopenia with susceptibility to infections. Also called: MONOCYTOPENIA AND MYCOBACTERIAL INFECTION SYNDROME; MONOCYTOPENIA WITH SUSCEPTIBILITY TO MYCOBACTERIAL, FUNGAL, AND PAPILLOMAVIRUS INFECTIONS AND MYELODYSPLASIA; COMBINED IMMUNODEFICIENCY WITH SUSCEPTIBILITY TO MYCOBACTERIAL, VIRAL, AND FUNGAL INFECTIONS; Dendritic cell, monocyte, B lymphocyte, and natural killer lymphocyte deficiency; IMMUNODEFICIENCY 21; GATA2 DEFICIENCY. Identifiers: Orphanet 228423, MedGen C3280030, MONDO:0013607, OMIM 614172.

Allele frequency attached by ClinVar (database versions not stated): gnomAD exomes 0.00001; ExAC 0.00002; ESP Exome Variant Server 0.00008.
gnomAD v4.1: 11 of 1,613,452 alleles (0.00068%); highest among the groups gnomAD compares: Non-Finnish European, 0.00093%; no homozygotes.

Submissions (3):

Labcorp Genetics (formerly Invitae), Labcorp
Classification: Uncertain significance for Monocytopenia with susceptibility to infections; Deafness-lymphedema-leukemia syndrome. Last evaluated: 2025-08-07. Review status: criteria provided, single submitter. Criteria: Invitae Variant Classification Sherloc (09022015). Collection method: clinical testing. Allele origin: germline.
Comment: This sequence change replaces alanine, which is neutral and non-polar, with valine, which is neutral and non-polar, at codon 342 of the GATA2 protein (p.Ala342Val). This variant is present in population databases (rs143554523, gnomAD 0.002%). This variant has not been reported in the literature in individuals affected with GATA2-related conditions. ClinVar contains an entry for this variant (Variation ID: 472429). Invitae Evidence Modeling of protein sequence and biophysical properties (such as structural, functional, and spatial information, amino acid conservation, physicochemical variation, residue mobility, and thermodynamic stability) has been performed for this missense variant. However, the output from this modeling did not meet the statistical confidence thresholds required to predict the impact of this variant on GATA2 protein function. In summary, the available evidence is currently insufficient to determine the role of this variant in disease. Therefore, it has been classified as a Variant of Uncertain Significance.

Ambry Genetics
Classification: Uncertain significance for Inborn genetic diseases. Last evaluated: 2025-04-15. Review status: criteria provided, single submitter. Criteria: Ambry Variant Classification Scheme 2023. Collection method: clinical testing. Allele origin: germline.
Comment: The p.A342V variant (also known as c.1025C>T), located in coding exon 4 of the GATA2 gene, results from a C to T substitution at nucleotide position 1025. The alanine at codon 342 is replaced by valine, an amino acid with similar properties. This amino acid position is well conserved in available vertebrate species. In addition, the in silico prediction for this alteration is inconclusive. Based on the available evidence, the clinical significance of this variant remains unclear.

GeneDx
Classification: Uncertain significance. Last evaluated: 2022-08-29. Review status: criteria provided, single submitter. Criteria: GeneDx Variant Classification Process June 2021. Collection method: clinical testing. Allele origin: germline. Affected: yes.
Comment: Not observed at significant frequency in large population cohorts (gnomAD); In silico analysis supports that this missense variant has a deleterious effect on protein structure/function; Has not been previously published as pathogenic or benign to our knowledge